The following is an entry in ClinVar:

ClinVar aggregate classification (germline): Likely benign. Review status: criteria provided, multiple submitters, no conflicts (2 of 4 stars). 2 submissions from 2 submitters: Likely benign (2). Last evaluated 2025-12-29.

Conditions:
Kabuki syndrome. Also called: Kabuki make-up syndrome; NIIKAWA-KUROKI SYNDROME. Identifiers: Orphanet 2322, MedGen C0796004, MONDO:0016512.

Allele frequency attached by ClinVar (database versions not stated): gnomAD exomes 0.00001 and 0.00004; ExAC 0.00004; TOPMed 0.00005; gnomAD 0.00006; ESP Exome Variant Server 0.00008.
gnomAD v4.1: 23 of 1,601,358 alleles (0.0014%); highest among the groups gnomAD compares: Admixed American, 0.014%; no homozygotes.

Submissions (2):

Labcorp Genetics (formerly Invitae), Labcorp
Classification: Likely benign for Kabuki syndrome. Last evaluated: 2025-12-29. Review status: criteria provided, single submitter. Criteria: Invitae Variant Classification Sherloc (09022015). Collection method: clinical testing. Allele origin: germline.

CeGaT Center for Human Genetics Tuebingen
Classification: Likely benign. Last evaluated: 2024-08-01. Review status: criteria provided, single submitter. Criteria: CeGaT Center For Human Genetics Tuebingen Variant Classification Criteria Version 2. Collection method: clinical testing. Allele origin: germline. Affected: yes. Observed: 1 variant allele.
Comment: KMT2D: BP4

NM_003482.4(KMT2D):c.13138C>A (p.Pro4380Thr)

Gene: KMT2D (lysine methyltransferase 2D; minus strand). Cytogenetic location: 12q13.12.
Variant type: single nucleotide variant.
Coding change: c.13138C>A on transcript NM_003482.4 (MANE Select); coding-DNA position 13138, C replaced by A.
Protein change: p.Pro4380Thr; replaces proline 4380 with threonine.
Molecular consequence: missense variant.
Genome position (GRCh38, 1-based): chr12:49,031,567, G>T on the plus strand (C>A on the coding strand, the complement: KMT2D is on the minus strand). VCF-style: chr12-49031567-G-T. GRCh37 (hg19) VCF-style: chr12-49425350-G-T.
Other names: short protein forms P4380T.
Identifiers: ClinVar variation 852881 (VCV000852881.25), dbSNP rs369009384, ClinGen allele CA6546067.
Genomic context (GRCh38, chr12:49,031,567, plus strand): 5'-CCAGATGCCCAGGTACCAGGCTGCTCTGCTCTGGCTTCTGGGTTTCTGCTAGGTTGTCTG[G>T]GGGATCCCAAGGTCCCAGACCCTTGCTAAACAAGGTATCTGCAAGCTGGGCAGCAGCAGG-3'
Protein context (NP_003473.3, residues 4370-4390): FSKGLGPWDP[Pro4380Thr]DNLAETQKPE